The following is an entry in ClinVar:

NM_020937.4(FANCM):c.2568A>T (p.Lys856Asn)

Gene: FANCM (FA complementation group M; plus strand). Cytogenetic location: 14q21.2.
Variant type: single nucleotide variant.
Coding change: c.2568A>T on transcript NM_020937.4 (MANE Select); coding-DNA position 2568, A replaced by T.
Protein change: p.Lys856Asn; replaces lysine 856 with asparagine.
Molecular consequence: missense variant.
Genome position (GRCh38, 1-based): chr14:45,175,322, A>T. VCF-style: chr14-45175322-A-T. GRCh37 (hg19) VCF-style: chr14-45644525-A-T.
Other names: c.2490A>T, p.Lys830Asn (NM_001308133.2); short protein forms K856N, K830N.
Identifiers: ClinVar variation 4022811 (VCV004022811.1).

ClinVar aggregate classification (germline): Uncertain significance (1 of 4 stars; one submission).

Conditions:
Inborn genetic diseases. Identifiers: MedGen C0950123, MeSH D030342.

Submission:

Ambry Genetics
Classification: Uncertain significance for Inborn genetic diseases. Last evaluated: 2025-05-24. Review status: criteria provided, single submitter. Criteria: Ambry Variant Classification Scheme 2023. Collection method: clinical testing. Allele origin: germline.
Comment: The p.K856N variant (also known as c.2568A>T), located in coding exon 14 of the FANCM gene, results from an A to T substitution at nucleotide position 2568. The lysine at codon 856 is replaced by asparagine, an amino acid with similar properties. This amino acid position is conserved. In addition, this alteration is predicted to be tolerated by in silico analysis. Based on the available evidence, the clinical significance of this variant remains unclear.